The following is an entry in ClinVar:

ClinVar aggregate classification (germline): Uncertain significance (1 of 4 stars; one submission).

Conditions:
Epilepsy, childhood absence, susceptibility to, 1. Also called: Epilepsy, childhood absence 1. Identifiers: Orphanet 64280, MedGen C1838604, MONDO:0020759, OMIM 600131.
Epilepsy, childhood absence, susceptibility to, 5. Identifiers: Orphanet 64280, MedGen C2677087, MONDO:0012843, OMIM 612269.

Submission:

Labcorp Genetics (formerly Invitae), Labcorp
Classification: Uncertain significance for Epilepsy, childhood absence, susceptibility to, 5; Epilepsy, childhood absence, susceptibility to, 1. Last evaluated: 2020-04-14. Review status: criteria provided, single submitter. Criteria: Invitae Variant Classification Sherloc (09022015). Collection method: clinical testing. Allele origin: germline.
Comment: Algorithms developed to predict the effect of missense changes on protein structure and function are either unavailable or do not agree on the potential impact of this missense change (SIFT: "Deleterious"; PolyPhen-2: "Probably Damaging"; Align-GVGD: "Class C0"). This sequence change replaces tyrosine with histidine at codon 467 of the GABRB3 protein (p.Tyr467His). The tyrosine residue is highly conserved and there is a moderate physicochemical difference between tyrosine and histidine. This variant is not present in population databases (ExAC no frequency). This variant has not been reported in the literature in individuals with GABRB3-related conditions. In summary, the available evidence is currently insufficient to determine the role of this variant in disease. Therefore, it has been classified as a Variant of Uncertain Significance.

NM_000814.6(GABRB3):c.1399T>C (p.Tyr467His)

Gene: GABRB3 (gamma-aminobutyric acid type A receptor subunit beta3; minus strand). Cytogenetic location: 15q12.
Variant type: single nucleotide variant.
Coding change: c.1399T>C on transcript NM_000814.6 (MANE Select); coding-DNA position 1399, T replaced by C.
Protein change: p.Tyr467His; replaces tyrosine 467 with histidine.
Molecular consequence: missense variant.
Genome position (GRCh38, 1-based): chr15:26,547,816, A>G on the plus strand (T>C on the coding strand, the complement: GABRB3 is on the minus strand). VCF-style: chr15-26547816-A-G. GRCh37 (hg19) VCF-style: chr15-26792963-A-G.
Other names: c.1144T>C, p.Tyr382His (NM_001191320.2, NM_001278631.2); c.1186T>C, p.Tyr396His (NM_001191321.3); c.1399T>C, p.Tyr467His (NM_021912.5); short protein forms Y382H, Y467H, Y396H.
Identifiers: ClinVar variation 1038688 (VCV001038688.8), dbSNP rs1889312439, ClinGen allele CA391458434.